The following is an entry in ClinVar:

ClinVar aggregate classification (germline): Uncertain significance (1 of 4 stars; one submission).

Allele frequency attached by ClinVar (database versions not stated): gnomAD exomes 0.00001.
gnomAD v4.1: 4 of 1,573,138 alleles (0.00025%); highest among the groups gnomAD compares: South Asian, 0.0035%; no homozygotes.

Submission:

Labcorp Genetics (formerly Invitae), Labcorp
Classification: Uncertain significance. Last evaluated: 2021-10-19. Review status: criteria provided, single submitter. Criteria: Invitae Variant Classification Sherloc (09022015). Collection method: clinical testing. Allele origin: germline.
Comment: This variant has not been reported in the literature in individuals affected with LTBP2-related conditions. This variant is not present in population databases (ExAC no frequency). This sequence change replaces glutamine with histidine at codon 289 of the LTBP2 protein (p.Gln289His). The glutamine residue is highly conserved and there is a small physicochemical difference between glutamine and histidine. Algorithms developed to predict the effect of missense changes on protein structure and function output the following: SIFT: "Deleterious"; PolyPhen-2: "Benign"; Align-GVGD: "Class C15". The histidine amino acid residue is found in multiple mammalian species, which suggests that this missense change does not adversely affect protein function. In summary, the available evidence is currently insufficient to determine the role of this variant in disease. Therefore, it has been classified as a Variant of Uncertain Significance.

NM_000428.3(LTBP2):c.867G>T (p.Gln289His)

Gene: LTBP2 (latent transforming growth factor beta binding protein 2; minus strand). Cytogenetic location: 14q24.3.
Variant type: single nucleotide variant.
Coding change: c.867G>T on transcript NM_000428.3 (MANE Select); coding-DNA position 867, G replaced by T.
Protein change: p.Gln289His; replaces glutamine 289 with histidine.
Molecular consequence: missense variant.
Genome position (GRCh38, 1-based): chr14:74,555,657, C>A on the plus strand (G>T on the coding strand, the complement: LTBP2 is on the minus strand). VCF-style: chr14-74555657-C-A. GRCh37 (hg19) VCF-style: chr14-75022360-C-A.
Other names: short protein forms Q289H.
Identifiers: ClinVar variation 1387890 (VCV001387890.6), dbSNP rs2139752735, ClinGen allele CA390403100.